The following is an entry in ClinVar:

NM_000535.7(PMS2):c.1877C>G (p.Ala626Gly)

Gene: PMS2 (PMS1 homolog 2, mismatch repair system component; minus strand). Cytogenetic location: 7p22.1.
Variant type: single nucleotide variant.
Coding change: c.1877C>G on transcript NM_000535.7 (MANE Select); coding-DNA position 1877, C replaced by G.
Protein change: p.Ala626Gly; replaces alanine 626 with glycine.
Molecular consequence: missense variant. On other transcripts: non-coding transcript variant (1).
Genome position (GRCh38, 1-based): chr7:5,986,888, G>C on the plus strand (C>G on the coding strand, the complement: PMS2 is on the minus strand). VCF-style: chr7-5986888-G-C. GRCh37 (hg19) VCF-style: chr7-6026519-G-C.
Other names: c.1472C>G, p.Ala491Gly (NM_001322003.2, NM_001322004.2, NM_001322005.2 and 1 more transcripts); c.1721C>G, p.Ala574Gly (NM_001322006.2); c.1559C>G, p.Ala520Gly (NM_001322007.2, NM_001322008.2); c.1316C>G, p.Ala439Gly (NM_001322010.2); c.944C>G, p.Ala315Gly (NM_001322011.2, NM_001322012.2); c.1304C>G, p.Ala435Gly (NM_001322013.2); c.1877C>G, p.Ala626Gly (NM_001322014.2); c.1568C>G, p.Ala523Gly (NM_001322015.2); short protein forms A626G, A435G, A439G, A491G, A574G, A315G, A520G, A523G.
Identifiers: ClinVar variation 484272 (VCV000484272.5), dbSNP rs786203121, ClinGen allele CA366739464.

ClinVar aggregate classification (germline): Uncertain significance (1 of 4 stars; one submission).

Conditions:
Hereditary cancer-predisposing syndrome. Also called: Neoplastic Syndromes, Hereditary; Tumor predisposition; Hereditary Cancer Syndrome; Hereditary neoplastic syndrome. Identifiers: Orphanet 140162, MedGen C0027672, MeSH D009386, MONDO:0015356.

Submission:

Ambry Genetics
Classification: Uncertain significance for Hereditary cancer-predisposing syndrome. Last evaluated: 2016-04-01. Review status: criteria provided, single submitter. Criteria: Ambry Variant Classification Scheme 2023. Collection method: clinical testing. Allele origin: germline.
Comment: The p.A626G variant (also known as c.1877C>G), located in coding exon 11 of the PMS2 gene, results from a C to G substitution at nucleotide position 1877. The alanine at codon 626 is replaced by glycine, an amino acid with similar properties. This variant was not reported in population based cohorts in the following databases: Database of Single Nucleotide Polymorphisms (dbSNP), NHLBI Exome Sequencing Project (ESP), and 1000 Genomes Project. In the ESP, this variant was not observed in 6503 samples (13006 alleles) with coverage at this position. To date, this alteration has been detected with an allele frequency of approximately 0.001% (greater than 110000 alleles tested) in our clinical cohort. This amino acid position is well conserved in available vertebrate species. In addition, this alteration is predicted to be tolerated by in silico analysis. Since supporting evidence is limited at this time, the clinical significance of this alteration remains unclear.